The following is an entry in ClinVar:

ClinVar aggregate classification (germline): Uncertain significance. Review status: criteria provided, multiple submitters, no conflicts (2 of 4 stars). 2 submissions from 2 submitters: Uncertain significance (2). Last evaluated 2026-01-15.

Conditions:
Hypertrophic cardiomyopathy. Also called: HYPERTROPHIC MYOCARDIOPATHY. Identifiers: Orphanet 217569, MedGen C0007194, MeSH D002312, MONDO:0005045, HP:0001639.

Allele frequency attached by ClinVar (database versions not stated): gnomAD exomes below 0.00001; gnomAD 0.00001 and 0.00013; ExAC 0.00002; ESP Exome Variant Server 0.00008; TOPMed 0.00012.
gnomAD v4.1: 21 of 1,612,816 alleles (0.0013%); highest among the groups gnomAD compares: Non-Finnish European, 0.00034%; no homozygotes.

Submissions (2):

Labcorp Genetics (formerly Invitae), Labcorp
Classification: Uncertain significance for Hypertrophic cardiomyopathy. Last evaluated: 2026-01-15. Review status: criteria provided, single submitter. Criteria: Invitae Variant Classification Sherloc (09022015). Collection method: clinical testing. Allele origin: germline.
Comment: This sequence change replaces proline, which is neutral and non-polar, with leucine, which is neutral and non-polar, at codon 424 of the JPH2 protein (p.Pro424Leu). This variant is present in population databases (rs375446898, gnomAD 0.002%). This variant has not been reported in the literature in individuals affected with JPH2-related conditions. ClinVar contains an entry for this variant (Variation ID: 954139). An algorithm developed to predict the effect of missense changes on protein structure and function (PolyPhen-2) suggests that this variant is likely to be disruptive. In summary, the available evidence is currently insufficient to determine the role of this variant in disease. Therefore, it has been classified as a Variant of Uncertain Significance.

GeneDx
Classification: Uncertain significance. Last evaluated: 2020-02-11. Review status: criteria provided, single submitter. Criteria: GeneDx Variant Classification Process June 2021. Collection method: clinical testing. Allele origin: germline. Affected: yes.
Comment: Has not been previously published as pathogenic or benign to our knowledge; Not observed at a significant frequency in large population cohorts (Lek et al., 2016); In silico analysis supports that this missense variant has a deleterious effect on protein structure/function

NM_020433.5(JPH2):c.1271C>T (p.Pro424Leu)

Gene: JPH2 (junctophilin 2; minus strand). Cytogenetic location: 20q13.12.
Variant type: single nucleotide variant.
Coding change: c.1271C>T on transcript NM_020433.5 (MANE Select); coding-DNA position 1271, C replaced by T.
Protein change: p.Pro424Leu; replaces proline 424 with leucine.
Molecular consequence: missense variant.
Genome position (GRCh38, 1-based): chr20:44,118,522, G>A on the plus strand (C>T on the coding strand, the complement: JPH2 is on the minus strand). VCF-style: chr20-44118522-G-A. GRCh37 (hg19) VCF-style: chr20-42747162-G-A.
Other names: short protein forms P424L.
Identifiers: ClinVar variation 954139 (VCV000954139.10), dbSNP rs375446898, ClinGen allele CA9868690.